The following is an entry in ClinVar:

ClinVar aggregate classification (germline): Conflicting classifications of pathogenicity. Review status: criteria provided, conflicting classifications (1 of 4 stars). 8 submissions from 8 submitters: Pathogenic (2); Likely pathogenic (2); Uncertain significance (3). 1 of the submissions does not count toward it. Last evaluated 2026-05-19.

Conditions:
DDX41-related hematologic malignancy predisposition syndrome. Also called: Myeloproliferative/lymphoproliferative neoplasms, familial (multiple types), susceptibility to; DDX41-Associated Familial Myelodysplastic Syndrome and Acute Myeloid Leukemia. Identifiers: Orphanet 488647, MedGen C4225174, MONDO:0014809, OMIM 616871.
Inborn genetic diseases. Identifiers: MedGen C0950123, MeSH D030342.

Submissions (8):

GeneDx
Classification: Likely pathogenic. Last evaluated: 2026-05-19. Review status: criteria provided, single submitter. Criteria: GeneDx Variant Classification Process June 2021. Collection method: clinical testing. Allele origin: germline.
Comment: In-frame deletion of 1 amino acid in a non-repeat region; Not observed at significant frequency in large population cohorts (gnomAD); In silico analysis supports a deleterious effect on protein structure/function; This variant is associated with the following publications: (PMID: 27721487, 31484648, 35443031, 37506341, 38312561)

Labcorp Genetics (formerly Invitae), Labcorp
Classification: Uncertain significance. Last evaluated: 2025-09-15. Review status: criteria provided, single submitter. Criteria: Invitae Variant Classification Sherloc (09022015). Collection method: clinical testing. Allele origin: germline.
Comment: This variant, c.1088_1090del, results in the deletion of 1 amino acid(s) of the DDX41 protein (p.Ser363del), but otherwise preserves the integrity of the reading frame. This variant is present in population databases (no rsID available, gnomAD 0.007%). This variant has been observed in individual(s) with acute myeloid leukemia and/or hematological malignancies (PMID: 31484648, 35443031, 35671390, 36322930, 36923434, 37506341). ClinVar contains an entry for this variant (Variation ID: 2500218). Experimental studies and prediction algorithms are not available or were not evaluated, and the functional significance of this variant is currently unknown. In summary, the available evidence is currently insufficient to determine the role of this variant in disease. Therefore, it has been classified as a Variant of Uncertain Significance.

Saint-Louis Hospital, Assistance Publique Hôpitaux de Paris
Classification: Pathogenic for DDX41-related hematologic malignancy predisposition syndrome. Last evaluated: 2025-05-13. Review status: criteria provided, single submitter. Criteria: ACMG Guidelines, 2015. Collection method: clinical testing. Allele origin: germline. Affected: yes.
Comment: The variant DDX41(NM_016222.4):c.1088_1090del:p.(Ser363del) is very rare in control population database. It has been raported in individuals with suspected or confirmed predisposition to myeloid malignancies (Duployez et al, 2022, PMID: 35443031; Makishima et al, 2022, PMID: 36322930; Perani et al, 2023, PMID: 36923434; Sebert et al, 2019, PMID: 31484648) and notably in association with a second (somatic) DDX41 hit, which is a common clonal evolution way in DDX41-myeloid malignancies predisposition (Duployez et al, 2022, PMID: 35443031).

Ambry Genetics
Classification: Uncertain significance for Inborn genetic diseases. Last evaluated: 2025-03-13. Review status: criteria provided, single submitter. Criteria: Ambry Variant Classification Scheme 2023. Collection method: clinical testing. Allele origin: germline.
Comment: The c.1088_1090delCCT variant (also known as p.S363del) is located in coding exon 10 of the DDX41 gene. This variant results from an in-frame CCT deletion at nucleotide positions 1088 to 1090. This results in the in-frame deletion of a serine at codon 363. This variant has been reported in individuals with hematologic malignancy (S&eacute;bert M et al. Blood, 2019 Oct;134:1441-1444; Perani A et al. Front Oncol, 2023 Feb;13:1120829; Makishima H et al. Blood, 2023 Feb;141:534-549). This amino acid position is highly conserved in available vertebrate species. In addition, this alteration is predicted to be deleterious by in silico analysis (Choi Y et al. PLoS ONE. 2012; 7(10):e46688). Based on the available evidence, the clinical significance of this variant remains unclear.

Genetic Services Laboratory, University of Chicago
Classification: Likely pathogenic. Last evaluated: 2024-05-14. Review status: criteria provided, single submitter. Criteria: ACMG Guidelines, 2015. Collection method: clinical testing. Allele origin: germline. Affected: yes.
Comment: This in-frame deletion is predicted to result in the deletion of one amino acid residue, p.Ser363del. This deletion has been previously described in several individuals with acute myeloid leukemia, some of whom were identified to have a second somatic DDX41 pathogenic variant (PMID: 31484648, 35443031, 36322930). This sequence change occurs in the DEAD box functional domain, where other pathogenic missense and in-frame variants have been described. This sequence change has been described in the gnomAD database with a frequency of 0.0005% in the overall population (dbSNP rs1234975047). These collective evidences indicate that this sequence change is likely pathogenic, however, functional studies have not been performed to prove this conclusively.

ARUP Laboratories, Molecular Genetics and Genomics, ARUP Laboratories
Classification: Pathogenic for DDX41-related hematologic malignancy predisposition syndrome. Last evaluated: 2024-05-01. Review status: criteria provided, single submitter. Criteria: ARUP Molecular Germline Variant Investigation Process 2024. Collection method: clinical testing. Allele origin: germline.
Comment: The DDX41 c.1088_1090del; p.Ser363del variant (rs1234975047) is reported in the literature in at least 28 individuals affected with autosomal dominant familial predisposition to myelodysplastic syndrome or acute myeloid leukemia (Duployez 2022, Makishima 2022, Perani 2023, Sebert 2019). This variant is also reported in ClinVar (Variation ID: 2500218). This variant is only observed on one allele in the Genome Aggregation Database, indicating it is not a common polymorphism. This variant deletes a single serine residue leaving the rest of the protein inframe. Based on available information, this variant is considered to be pathogenic. References: Duployez N et al. Prognostic impact of DDX41 germline mutations in intensively treated acute myeloid leukemia patients: an ALFA-FILO study. Blood. 2022 Aug 18. PMID: 35443031. Makishima H et al. Germline DDX41 mutations define a unique subtype of myeloid neoplasms. Blood. 2022 Nov 2. PMID: 36322930. Perani A et al. Hereditary predisposition to malignant myeloid hemopathies: Caution in use of saliva and guideline based on our experience. Frontiers in oncology. 2023 PMID: 36923434. Sebert M et al. Germline DDX41 mutations define a significant entity within adult MDS/AML patients. Blood. 2019 Oct 24. PMID: 31484648.

Baylor Genetics
Classification: Uncertain significance for DDX41-related hematologic malignancy predisposition syndrome. Last evaluated: 2023-12-05. Review status: criteria provided, single submitter. Criteria: ACMG Guidelines, 2015. Collection method: clinical testing. Allele origin: unknown.

Clinical Genomics Labs, University Health Network
Classification: Uncertain significance for DDX41-related hematologic malignancy predisposition syndrome. Last evaluated: 2019-11-14. Review status: no assertion criteria provided. Criteria: ACMG Guidelines, 2015. Collection method: clinical testing. Allele origin: germline. Affected: yes. Not counted in ClinVar's aggregate classification.

Literature cited by the submitters: PubMed 31484648 (cited by 3 submitters); PubMed 35443031 (cited by Labcorp Genetics (formerly Invitae), Labcorp and Saint-Louis Hospital, Assistance Publique Hôpitaux de Paris); PubMed 35671390 (cited by Labcorp Genetics (formerly Invitae), Labcorp); PubMed 36322930 (cited by 3 submitters); PubMed 36923434 (cited by 3 submitters); PubMed 37506341 (cited by Labcorp Genetics (formerly Invitae), Labcorp).

NM_016222.4(DDX41):c.1088_1090del (p.Ser363del)

Gene: DDX41 (DEAD-box helicase 41; minus strand). Cytogenetic location: 5q35.3.
Variant type: Deletion.
Coding change: c.1088_1090del on transcript NM_016222.4 (MANE Select); coding-DNA positions 1088 to 1090, 3 bases deleted (CCT; older notation c.1088_1090delCCT).
Protein change: p.Ser363del; deletes serine 363.
Molecular consequence: inframe deletion.
Genome position (GRCh38, 1-based): chr5:177,513,693-177,513,695, AGG deleted on the plus strand (CCT on the coding strand, the reverse complement: DDX41 is on the minus strand); deleting any 3 consecutive bases within chr5:177,513,693-177,513,697 gives the same sequence; the c. name uses the placement nearest the transcript's 3' end. VCF-style (leftmost placement, unchanged base first): chr5-177513692-TAGG-T. GRCh37 (hg19) VCF-style: chr5-176940693-TAGG-T.
Other names: c.710_712del, p.Ser237del (NM_001321732.2, NM_001321830.2); c.1088_1090del (NM_016222.2, NM_016222.3); c.1088_1090delCCT (NM_016222.2); short protein forms S237del, S363del.
Identifiers: ClinVar variation 2500218 (VCV002500218.12), dbSNP rs1234975047, ClinGen allele CA564900547.